The following is an entry in ClinVar:

NM_001267550.2(TTN):c.30450C>T (p.Ile10150=)

Gene: TTN (titin; minus strand). Cytogenetic location: 2q31.2.
Variant type: single nucleotide variant.
Coding change: c.30450C>T on transcript NM_001267550.2 (MANE Select); coding-DNA position 30450, C replaced by T.
Protein change: p.Ile10150=; no amino-acid change (isoleucine 10150 retained).
Molecular consequence: synonymous variant. On other transcripts: intron variant (3).
Genome position (GRCh38, 1-based): chr2:178,702,229, G>A on the plus strand (C>T on the coding strand, the complement: TTN is on the minus strand). VCF-style: chr2-178702229-G-A. GRCh37 (hg19) VCF-style: chr2-179566956-G-A.
Other names: c.29499C>T, p.Ile9833= (NM_001256850.1); c.26718C>T, p.Ile8906= (NM_133378.4); c.13282+35853C>T (NM_003319.4); c.13858+35853C>T (NM_133437.4); c.13657+35853C>T (NM_133432.3).
Identifiers: ClinVar variation 515961 (VCV000515961.35), dbSNP rs761922521, ClinGen allele CA1999162.

ClinVar aggregate classification (germline): Likely benign. Review status: criteria provided, multiple submitters, no conflicts (2 of 4 stars). 4 submissions from 4 submitters: Likely benign (3). 1 of the submissions does not count toward it. Last evaluated 2025-07-22.

Conditions:
Dilated cardiomyopathy 1G (CMD1G). Identifiers: Orphanet 154, MedGen C1858763, MONDO:0011400, OMIM 604145.
Autosomal recessive limb-girdle muscular dystrophy type 2J (LGMDR10). Also called: MUSCULAR DYSTROPHY, LIMB-GIRDLE, AUTOSOMAL RECESSIVE 10; Limb-girdle muscular dystrophy, type 2J. Identifiers: Orphanet 140922, MedGen C1837342, MONDO:0012127, OMIM 608807.
TTN-related disorder. Also called: TTN-related condition; TTN-related disease; TTN-related disorders.

Allele frequency attached by ClinVar (database versions not stated): gnomAD 0.00001; TOPMed 0.00001.
gnomAD v4.1: 16 of 1,613,836 alleles (0.00099%); highest among the groups gnomAD compares: African/African-American, 0.0027%; no homozygotes.

Submissions (4):

Labcorp Genetics (formerly Invitae), Labcorp
Classification: Likely benign for Dilated cardiomyopathy 1G; Autosomal recessive limb-girdle muscular dystrophy type 2J. Last evaluated: 2025-07-22. Review status: criteria provided, single submitter. Criteria: Invitae Variant Classification Sherloc (09022015). Collection method: clinical testing. Allele origin: germline.

CeGaT Center for Human Genetics Tuebingen
Classification: Likely benign. Last evaluated: 2022-08-01. Review status: criteria provided, single submitter. Criteria: CeGaT Center For Human Genetics Tuebingen Variant Classification Criteria Version 2. Collection method: clinical testing. Allele origin: germline. Affected: yes. Observed: 1 variant allele.
Comment: TTN: BP4, BP7

GeneDx
Classification: Likely benign. Last evaluated: 2018-03-06. Review status: criteria provided, single submitter. Criteria: GeneDx Variant Classification (06012015). Collection method: clinical testing. Allele origin: germline. Affected: yes.
Comment: This variant is considered likely benign or benign based on one or more of the following criteria: it is a conservative change, it occurs at a poorly conserved position in the protein, it is predicted to be benign by multiple in silico algorithms, and/or has population frequency not consistent with disease.

PreventionGenetics, part of Exact Sciences
Classification: Likely benign for TTN-related condition. Last evaluated: 2020-01-02. Review status: no assertion criteria provided. Collection method: clinical testing. Allele origin: germline. Not counted in ClinVar's aggregate classification.
Comment: This variant is classified as likely benign based on ACMG/AMP sequence variant interpretation guidelines (Richards et al. 2015 PMID: 25741868, with internal and published modifications).